The following is an entry in ClinVar:

NM_004304.5(ALK):c.3067+514C>A

Gene: ALK (ALK receptor tyrosine kinase; minus strand). Cytogenetic location: 2p23.2.
Variant type: single nucleotide variant.
Coding change: c.3067+514C>A on transcript NM_004304.5 (MANE Select); 514 bases into the intron after coding-DNA position 3067, C replaced by A.
Molecular consequence: intron variant.
Genome position (GRCh38, 1-based): chr2:29,226,408, G>T on the plus strand (C>A on the coding strand, the complement: ALK is on the minus strand). VCF-style: chr2-29226408-G-T. GRCh37 (hg19) VCF-style: chr2-29449274-G-T.
Identifiers: ClinVar variation 3026427 (VCV003026427.22), dbSNP rs527857243, ClinGen allele CA11148179.

ClinVar aggregate classification (germline): Benign (1 of 4 stars; one submission).

Allele frequency attached by ClinVar (database versions not stated): 1000 Genomes Project 0.00040; 1000 Genomes Project 30x 0.00078; gnomAD 0.00100; TOPMed 0.00102.
gnomAD v4.1: 157 of 150,474 alleles (0.1%); highest among the groups gnomAD compares: Middle Eastern, 1.4%; no homozygotes.

Submission:

CeGaT Center for Human Genetics Tuebingen
Classification: Benign. Last evaluated: 2023-12-01. Review status: criteria provided, single submitter. Criteria: CeGaT Center For Human Genetics Tuebingen Variant Classification Criteria Version 2. Collection method: clinical testing. Allele origin: germline. Affected: yes. Observed: 1 variant allele.
Comment: ALK: BS1, BS2